The following is an entry in ClinVar:

NM_021008.4(DEAF1):c.362C>T (p.Ala121Val)

Gene: DEAF1 (DEAF1 transcription factor; minus strand). Cytogenetic location: 11p15.5.
Variant type: single nucleotide variant.
Coding change: c.362C>T on transcript NM_021008.4 (MANE Select); coding-DNA position 362, C replaced by T.
Protein change: p.Ala121Val; replaces alanine 121 with valine.
Molecular consequence: missense variant. On other transcripts: 5 prime UTR variant (1).
Genome position (GRCh38, 1-based): chr11:691,526, G>A on the plus strand (C>T on the coding strand, the complement: DEAF1 is on the minus strand). VCF-style: chr11-691526-G-A. GRCh37 (hg19) VCF-style: chr11-691526-G-A.
Other names: c.362C>T, p.Ala121Val (NM_001293634.2); c.-365C>T (NM_001367390.1); short protein forms A121V.
Identifiers: ClinVar variation 2147647 (VCV002147647.4), dbSNP rs2494477570, ClinGen allele CA378937612.

ClinVar aggregate classification (germline): Uncertain significance (1 of 4 stars; one submission).

gnomAD v4.1: 4 of 1,613,362 alleles (0.00025%); highest among the groups gnomAD compares: Non-Finnish European, 0.00025%; no homozygotes.

Submission:

Labcorp Genetics (formerly Invitae), Labcorp
Classification: Uncertain significance. Last evaluated: 2025-03-10. Review status: criteria provided, single submitter. Criteria: Invitae Variant Classification Sherloc (09022015). Collection method: clinical testing. Allele origin: germline.
Comment: This sequence change replaces alanine, which is neutral and non-polar, with valine, which is neutral and non-polar, at codon 121 of the DEAF1 protein (p.Ala121Val). This variant is not present in population databases (gnomAD no frequency). This variant has not been reported in the literature in individuals affected with DEAF1-related conditions. ClinVar contains an entry for this variant (Variation ID: 2147647). Invitae Evidence Modeling of protein sequence and biophysical properties (such as structural, functional, and spatial information, amino acid conservation, physicochemical variation, residue mobility, and thermodynamic stability) indicates that this missense variant is not expected to disrupt DEAF1 protein function with a negative predictive value of 95%. In summary, the available evidence is currently insufficient to determine the role of this variant in disease. Therefore, it has been classified as a Variant of Uncertain Significance.